The following is an entry in ClinVar:

NM_017763.6(RNF43):c.2007C>T (p.Pro669=)

Gene: RNF43 (ring finger protein 43; minus strand). Cytogenetic location: 17q22.
Variant type: single nucleotide variant.
Coding change: c.2007C>T on transcript NM_017763.6 (MANE Select); coding-DNA position 2007, C replaced by T.
Protein change: p.Pro669=; no amino-acid change (proline 669 retained).
Molecular consequence: synonymous variant.
Genome position (GRCh38, 1-based): chr17:58,357,769, G>A on the plus strand (C>T on the coding strand, the complement: RNF43 is on the minus strand). VCF-style: chr17-58357769-G-A. GRCh37 (hg19) VCF-style: chr17-56435130-G-A.
Other names: c.2007C>T, p.Pro669= (NM_001305544.3); c.1626C>T, p.Pro542= (NM_001305545.2).
Identifiers: ClinVar variation 2165324 (VCV002165324.6), dbSNP rs2143393164, ClinGen allele CA501320943.

ClinVar aggregate classification (germline): Benign/Likely benign. Review status: criteria provided, multiple submitters, no conflicts (2 of 4 stars). 3 submissions from 3 submitters: Benign (1); Likely benign (2). Last evaluated 2026-07-02.

Conditions:
Sessile serrated polyposis cancer syndrome (SSPCS). Identifiers: Orphanet 157798, MedGen C4310714, MONDO:0014919, OMIM 617108.

Submissions (3):

Myriad Genetics, Inc.
Classification: Benign for Sessile serrated polyposis cancer syndrome. Last evaluated: 2026-07-02. Review status: criteria provided, single submitter. Criteria: Myriad Autosomal Dominant, Autosomal Recessive and X-Linked Classification Criteria (2023). Collection method: clinical testing. Allele origin: unknown.
Comment: This variant is considered benign. This variant is a silent/synonymous amino acid change and it is not expected to impact splicing.

Ambry Genetics
Classification: Likely benign. Last evaluated: 2025-01-08. Review status: criteria provided, single submitter. Criteria: Ambry Variant Classification Scheme 2023. Collection method: clinical testing. Allele origin: germline.

Labcorp Genetics (formerly Invitae), Labcorp
Classification: Likely benign. Last evaluated: 2022-07-15. Review status: criteria provided, single submitter. Criteria: Invitae Variant Classification Sherloc (09022015). Collection method: clinical testing. Allele origin: germline.